The following is an entry in ClinVar:

ClinVar aggregate classification (germline): Pathogenic/Likely pathogenic. Review status: criteria provided, multiple submitters, no conflicts (2 of 4 stars). 2 submissions from 2 submitters: Pathogenic (1); Likely pathogenic (1). Last evaluated 2024-04-15.

Conditions:
Epidermolysis bullosa dystrophica. Also called: Dystrophic epidermolysis bullosa, Hallopeau-Siemens type (formerly); Dystrophic epidermolysis bullosa. Identifiers: Orphanet 303, MedGen C0079294, MONDO:0006543.

Submissions (2):

Natera, Inc.
Classification: Likely pathogenic for Dystrophic epidermolysis bullosa. Last evaluated: 2024-04-15. Review status: criteria provided, single submitter. Criteria: Natera Variant Classification Schema (03/2026). Collection method: clinical testing. Allele origin: germline.
Comment: The c.3310delCinsAA variant in COL7A1 is a frameshift variant predicted to shift the reading frame beginning at codon 1104 and leads to a stop codon 10 codons downstream. This variant is expected to result in nonsense mediated decay, truncation, or a dysfunctional protein product. This variant is rare in the general population with a frequency below the threshold expected for the associated phenotype(s). Given the available evidence, this variant is classified as Likely Pathogenic.

Labcorp Genetics (formerly Invitae), Labcorp
Classification: Pathogenic. Last evaluated: 2019-04-09. Review status: criteria provided, single submitter. Criteria: Invitae Variant Classification Sherloc (09022015). Collection method: clinical testing. Allele origin: germline.
Comment: This sequence change creates a premature translational stop signal (p.Pro1104Asnfs*10) in the COL7A1 gene. It is expected to result in an absent or disrupted protein product. This variant is not present in population databases (ExAC no frequency). For these reasons, this variant has been classified as Pathogenic. Loss-of-function variants in COL7A1 are known to be pathogenic (PMID: 16971478). This variant has not been reported in the literature in individuals with COL7A1-related conditions.

Literature cited by the submitters: PubMed 16971478 (cited by Labcorp Genetics (formerly Invitae), Labcorp).

NM_000094.4(COL7A1):c.3310delinsAA (p.Pro1104fs)

Gene: COL7A1 (collagen type VII alpha 1 chain; minus strand). Cytogenetic location: 3p21.31.
Variant type: Indel.
Coding change: c.3310delinsAA on transcript NM_000094.4 (MANE Select); coding-DNA position 3310, C replaced by AA.
Protein change: p.Pro1104fs; shifts the reading frame from proline 1104.
Molecular consequence: frameshift variant.
Genome position (GRCh38, 1-based): chr3:48,586,656, G replaced by TT on the plus strand (C replaced by AA on the coding strand, the reverse complement: COL7A1 is on the minus strand). VCF-style: chr3-48586656-G-TT. GRCh37 (hg19) VCF-style: chr3-48624089-G-TT.
Other names: c.3310delCinsAA (NM_000094.3); short protein forms P1104fs.
Identifiers: ClinVar variation 972648 (VCV000972648.7), dbSNP rs2045286625, ClinGen allele CA1139658069.